The following is an entry in ClinVar:

NM_001005498.4(RHBDF2):c.796del (p.Ser266fs)

Gene: RHBDF2 (rhomboid 5 homolog 2; minus strand). Cytogenetic location: 17q25.1.
Variant type: Deletion.
Coding change: c.796del on transcript NM_001005498.4 (MANE Select); coding-DNA position 796, one base deleted (A; older notation c.796delA).
Protein change: p.Ser266fs; shifts the reading frame from serine 266.
Molecular consequence: frameshift variant. On other transcripts: non-coding transcript variant (3).
Genome position (GRCh38, 1-based): chr17:76,477,662, T deleted on the plus strand (A on the coding strand, the reverse complement: RHBDF2 is on the minus strand). VCF-style (leftmost placement, unchanged base first): chr17-76477661-CT-C. GRCh37 (hg19) VCF-style: chr17-74473743-CT-C.
Other names: c.796del, p.Ser266fs (NM_001376228.1, NM_001376229.1, NM_001376230.1); c.883del, p.Ser295fs (NM_024599.5); short protein forms S266fs, S295fs.
Identifiers: ClinVar variation 3725286 (VCV003725286.2).
Genomic context (GRCh38, chr17:76,477,661, plus strand): 5'-CACCCAGCTCCCAGGCCACCCCACCCAACTCCTGCTGTCCCACACCCCATGCTTGCCTTA[CT>C]AAAAAAGGAGGAGTCAAACGTGTCTGCCCCATCGACCACATCCTCCTCCAGGAAGCTCGG-3'

ClinVar aggregate classification (germline): Uncertain significance (1 of 4 stars; one submission).

Submission:

Labcorp Genetics (formerly Invitae), Labcorp
Classification: Uncertain significance. Last evaluated: 2024-11-15. Review status: criteria provided, single submitter. Criteria: Invitae Variant Classification Sherloc (09022015). Collection method: clinical testing. Allele origin: germline.
Comment: This sequence change creates a premature translational stop signal (p.Ser295Valfs*5) in the RHBDF2 gene. It is expected to result in an absent or disrupted protein product. However, the current clinical and genetic evidence is not sufficient to establish whether loss-of-function variants in RHBDF2 cause disease. This variant is not present in population databases (gnomAD no frequency). This variant has not been reported in the literature in individuals affected with RHBDF2-related conditions. Algorithms developed to predict the effect of sequence changes on RNA splicing suggest that this variant may create or strengthen a splice site. In summary, the available evidence is currently insufficient to determine the role of this variant in disease. Therefore, it has been classified as a Variant of Uncertain Significance.